The following is an entry in ClinVar:

NM_014629.4(ARHGEF10):c.3109G>T (p.Val1037Leu)

Gene: ARHGEF10 (Rho guanine nucleotide exchange factor 10; plus strand). Cytogenetic location: 8p23.3.
Variant type: single nucleotide variant.
Coding change: c.3109G>T on transcript NM_014629.4 (MANE Select); coding-DNA position 3109, G replaced by T.
Protein change: p.Val1037Leu; replaces valine 1037 with leucine.
Molecular consequence: missense variant.
Genome position (GRCh38, 1-based): chr8:1,933,829, G>T. VCF-style: chr8-1933829-G-T. GRCh37 (hg19) VCF-style: chr8-1881995-G-T.
Other names: c.3109G>T, p.Val1037Leu (NM_001308153.3); c.3112G>T, p.Val1038Leu (NM_001438091.1); c.2992G>T, p.Val998Leu (NM_001438092.1, NM_001438093.1); c.2995G>T, p.Val999Leu (NM_001438094.1, NM_001308152.2); short protein forms V1037L, V1038L, V1061L, V998L, V999L.
Identifiers: ClinVar variation 4534303 (VCV004534303.6).

ClinVar aggregate classification (germline): Uncertain significance (1 of 4 stars; one submission).

gnomAD v4.1: 11 of 1,614,066 alleles (0.00068%); highest among the groups gnomAD compares: Non-Finnish European, 0.00093%; no homozygotes.

Submission:

CeGaT Center for Human Genetics Tuebingen
Classification: Uncertain significance. Last evaluated: 2025-10-01. Review status: criteria provided, single submitter. Criteria: CeGaT Center For Human Genetics Tuebingen Variant Classification Criteria Version 2. Collection method: clinical testing. Allele origin: germline. Affected: yes. Observed: 1 variant allele.
Comment: ARHGEF10: PM2:Supporting, BP4